The following is an entry in ClinVar:

NM_000834.5(GRIN2B):c.3635G>A (p.Gly1212Asp)

Gene: GRIN2B (glutamate ionotropic receptor NMDA type subunit 2B; minus strand). Cytogenetic location: 12p13.1.
Variant type: single nucleotide variant.
Coding change: c.3635G>A on transcript NM_000834.5 (MANE Select); coding-DNA position 3635, G replaced by A.
Protein change: p.Gly1212Asp; replaces glycine 1212 with aspartic acid.
Molecular consequence: missense variant.
Genome position (GRCh38, 1-based): chr12:13,563,603, C>T on the plus strand (G>A on the coding strand, the complement: GRIN2B is on the minus strand). VCF-style: chr12-13563603-C-T. GRCh37 (hg19) VCF-style: chr12-13716537-C-T.
Other names: short protein forms G1212D.
Identifiers: ClinVar variation 1302179 (VCV001302179.2), dbSNP rs1233916467, ClinGen allele CA383988020.

ClinVar aggregate classification (germline): Uncertain significance (1 of 4 stars; one submission).

Allele frequency attached by ClinVar (database versions not stated): gnomAD exomes below 0.00001.
gnomAD v4.1: 1 of 1,613,994 alleles (0.000062%); highest among the groups gnomAD compares: African/African-American, 0.0013%; no homozygotes.

Submission:

GeneDx
Classification: Uncertain significance. Last evaluated: 2019-04-04. Review status: criteria provided, single submitter. Criteria: GeneDx Variant Classification Process June 2021. Collection method: clinical testing. Allele origin: germline. Affected: yes.
Comment: Not observed in large population cohorts (Lek et al., 2016); In silico analysis, which includes protein predictors and evolutionary conservation, supports that this variant does not alter protein structure/function; Has not been previously published as pathogenic or benign to our knowledge